The following is an entry in ClinVar:

ClinVar aggregate classification (germline): Uncertain significance (1 of 4 stars; one submission).

Conditions:
TH-deficient dopa-responsive dystonia. Also called: Tyrosine Hydroxylase-Deficient Dopa-Responsive Dystonia; Segawa syndrome, autosomal recessive; DYT-TH. Identifiers: Orphanet 101150, MedGen C2673535, MONDO:0011551, OMIM 605407.

Allele frequency attached by ClinVar (database versions not stated): gnomAD 0.00002; TOPMed 0.00002; ExAC 0.00005; 1000 Genomes Project 30x 0.00016.

Submission:

Labcorp Genetics (formerly Invitae), Labcorp
Classification: Uncertain significance for TH-deficient dopa-responsive dystonia. Last evaluated: 2022-03-23. Review status: criteria provided, single submitter. Criteria: Invitae Variant Classification Sherloc (09022015). Collection method: clinical testing. Allele origin: germline.
Comment: This sequence change replaces serine, which is neutral and polar, with leucine, which is neutral and non-polar, at codon 125 of the TH protein (p.Ser125Leu). This variant is present in population databases (rs760640869, gnomAD 0.02%). This variant has not been reported in the literature in individuals affected with TH-related conditions. Advanced modeling of protein sequence and biophysical properties (such as structural, functional, and spatial information, amino acid conservation, physicochemical variation, residue mobility, and thermodynamic stability) performed at Invitae indicates that this missense variant is not expected to disrupt TH protein function. In summary, the available evidence is currently insufficient to determine the role of this variant in disease. Therefore, it has been classified as a Variant of Uncertain Significance.

NM_000360.4(TH):c.281C>T (p.Ser94Leu)

Gene: TH (tyrosine hydroxylase; minus strand). Cytogenetic location: 11p15.5.
Variant type: single nucleotide variant.
Coding change: c.281C>T on transcript NM_000360.4 (MANE Select); coding-DNA position 281, C replaced by T.
Protein change: p.Ser94Leu; replaces serine 94 with leucine.
Molecular consequence: missense variant.
Genome position (GRCh38, 1-based): chr11:2,169,681, G>A on the plus strand (C>T on the coding strand, the complement: TH is on the minus strand). VCF-style: chr11-2169681-G-A. GRCh37 (hg19) VCF-style: chr11-2190911-G-A.
Other names: c.374C>T, p.Ser125Leu (NM_199292.3); c.362C>T, p.Ser121Leu (NM_199293.3); short protein forms S125L, S121L, S94L.
Identifiers: ClinVar variation 2182184 (VCV002182184.1), dbSNP rs760640869, ClinGen allele CA5818743.